The following is an entry in ClinVar:

ClinVar aggregate classification (germline): Uncertain significance (0 of 4 stars; one submission).

Conditions:
CTNNA3-related disorder. Also called: CTNNA3-related condition.

Submission:

PreventionGenetics, part of Exact Sciences
Classification: Uncertain significance for CTNNA3-related condition. Last evaluated: 2024-03-01. Review status: no assertion criteria provided. Collection method: clinical testing. Allele origin: germline.
Comment: The CTNNA3 c.2332C>T variant is predicted to result in premature protein termination (p.Gln778*). To our knowledge, this variant has not been reported in the literature or in a large population database, indicating this variant is rare. At this time, only a few protein-truncating variants have been reported in the literature (Human Gene Mutation Database). At this time, the clinical significance of this variant is uncertain due to the absence of conclusive functional and genetic evidence.

NM_013266.4(CTNNA3):c.2332C>T (p.Gln778Ter)

Gene: CTNNA3 (catenin alpha 3; minus strand). Cytogenetic location: 10q21.3.
Variant type: single nucleotide variant.
Coding change: c.2332C>T on transcript NM_013266.4 (MANE Select); coding-DNA position 2332, C replaced by T.
Protein change: p.Gln778Ter; replaces glutamine 778 with a stop codon.
Molecular consequence: nonsense.
Genome position (GRCh38, 1-based): chr10:65,966,680, G>A on the plus strand (C>T on the coding strand, the complement: CTNNA3 is on the minus strand). VCF-style: chr10-65966680-G-A. GRCh37 (hg19) VCF-style: chr10-67726438-G-A.
Other names: c.2332C>T, p.Gln778Ter (NM_001127384.3); short protein forms Q778*.
Identifiers: ClinVar variation 3061140 (VCV003061140.2), dbSNP rs2492643770, ClinGen allele CA377090023.